The following is an entry in ClinVar:

NM_173477.5(USH1G):c.1364C>T (p.Ala455Val)

Gene: USH1G (USH1 protein network component sans; minus strand). Cytogenetic location: 17q25.1.
Variant type: single nucleotide variant.
Coding change: c.1364C>T on transcript NM_173477.5 (MANE Select); coding-DNA position 1364, C replaced by T.
Protein change: p.Ala455Val; replaces alanine 455 with valine.
Molecular consequence: missense variant.
Genome position (GRCh38, 1-based): chr17:74,919,472, G>A on the plus strand (C>T on the coding strand, the complement: USH1G is on the minus strand). VCF-style: chr17-74919472-G-A. GRCh37 (hg19) VCF-style: chr17-72915567-G-A.
Other names: c.1055C>T, p.Ala352Val (NM_001282489.3); short protein forms A455V, A352V.
Identifiers: ClinVar variation 1378540 (VCV001378540.6), dbSNP rs2038903712, ClinGen allele CA400961018.

ClinVar aggregate classification (germline): Uncertain significance (1 of 4 stars; one submission).

Submission:

Labcorp Genetics (formerly Invitae), Labcorp
Classification: Uncertain significance. Last evaluated: 2021-08-29. Review status: criteria provided, single submitter. Criteria: Invitae Variant Classification Sherloc (09022015). Collection method: clinical testing. Allele origin: germline.
Comment: This sequence change replaces alanine with valine at codon 455 of the USH1G protein (p.Ala455Val). The alanine residue is moderately conserved and there is a small physicochemical difference between alanine and valine. This variant is not present in population databases (ExAC no frequency). This variant has not been reported in the literature in individuals affected with USH1G-related conditions. Algorithms developed to predict the effect of missense changes on protein structure and function are either unavailable or do not agree on the potential impact of this missense change (SIFT: "Not Available"; PolyPhen-2: "Benign"; Align-GVGD: "Not Available"). In summary, the available evidence is currently insufficient to determine the role of this variant in disease. Therefore, it has been classified as a Variant of Uncertain Significance.